The following is an entry in ClinVar:

NM_153240.5(NPHP3):c.1420G>C (p.Glu474Gln)

Genes: NPHP3-ACAD11 (NPHP3-ACAD11 readthrough (NMD candidate); minus strand), NPHP3 (nephrocystin 3; minus strand). Cytogenetic location: 3q22.1.
Variant type: single nucleotide variant.
Coding change: c.1420G>C on transcript NM_153240.5 (MANE Select); coding-DNA position 1420, G replaced by C.
Protein change: p.Glu474Gln; replaces glutamic acid 474 with glutamine.
Molecular consequence: missense variant. On other transcripts: non-coding transcript variant (1).
Genome position (GRCh38, 1-based): chr3:132,704,302, C>G on the plus strand (G>C on the coding strand, the complement: NPHP3 is on the minus strand). VCF-style: chr3-132704302-C-G. GRCh37 (hg19) VCF-style: chr3-132423146-C-G.
Other names: c.1420G>C (NM_153240.4); short protein forms E474Q.
Identifiers: ClinVar variation 1046381 (VCV001046381.11), dbSNP rs1939691135, ClinGen allele CA354584627.

ClinVar aggregate classification (germline): Uncertain significance. Review status: criteria provided, multiple submitters, no conflicts (2 of 4 stars). 2 submissions from 2 submitters: Uncertain significance (2). Last evaluated 2025-01-07.

Conditions:
NPHP3-related disorder. Also called: NPHP3-related condition; NPHP3-related disorders. Identifiers: MedGen CN379163.
Nephronophthisis. Also called: Juvenile Nephronophthisis. Identifiers: Orphanet 655, MedGen C0687120, MONDO:0019005, HP:0000090.

Submissions (2):

PreventionGenetics, part of Exact Sciences
Classification: Uncertain significance for NPHP3-related condition. Last evaluated: 2025-01-07. Review status: criteria provided, single submitter. Criteria: ACMG Guidelines, 2015. Collection method: clinical testing. Allele origin: germline.
Comment: The NPHP3 c.1420G>C variant is predicted to result in the amino acid substitution p.Glu474Gln. To our knowledge, this variant has not been reported in the literature or in a large population database (gnomAD), indicating this variant is rare. At this time, the clinical significance of this variant is uncertain due to the absence of conclusive functional and genetic evidence.

Labcorp Genetics (formerly Invitae), Labcorp
Classification: Uncertain significance for Nephronophthisis. Last evaluated: 2022-10-24. Review status: criteria provided, single submitter. Criteria: Invitae Variant Classification Sherloc (09022015). Collection method: clinical testing. Allele origin: germline.
Comment: This variant has not been reported in the literature in individuals affected with NPHP3-related conditions. In summary, the available evidence is currently insufficient to determine the role of this variant in disease. Therefore, it has been classified as a Variant of Uncertain Significance. Advanced modeling of protein sequence and biophysical properties (such as structural, functional, and spatial information, amino acid conservation, physicochemical variation, residue mobility, and thermodynamic stability) performed at Invitae indicates that this missense variant is not expected to disrupt NPHP3 protein function. ClinVar contains an entry for this variant (Variation ID: 1046381). This variant is not present in population databases (gnomAD no frequency). This sequence change replaces glutamic acid, which is acidic and polar, with glutamine, which is neutral and polar, at codon 474 of the NPHP3 protein (p.Glu474Gln).